The following is an entry in ClinVar:

ClinVar aggregate classification (germline): Likely pathogenic (1 of 4 stars; one submission).

Conditions:
Bardet-Biedl syndrome 10 (BBS10). Identifiers: Orphanet 110, MedGen C1859568, MONDO:0014438, OMIM 615987.

Submission:

Natera, Inc.
Classification: Likely pathogenic for Bardet-Biedl syndrome type 10. Last evaluated: 2025-09-17. Review status: criteria provided, single submitter. Criteria: Natera Variant Classification Schema (03/2026). Collection method: clinical testing. Allele origin: germline.
Comment: The c.3G>A variant in BBS10 is predicted to result in start loss due to disruption of the initiator methionine. This variant is expected to result in nonsense mediated decay, truncation, or a dysfunctional protein product. This variant is rare in the general population with a frequency below the threshold expected for the associated phenotype(s). Given the available evidence, this variant is classified as Likely Pathogenic.

NM_024685.4(BBS10):c.3G>A (p.Met1Ile)

Gene: BBS10 (Bardet-Biedl syndrome 10; minus strand). Cytogenetic location: 12q21.2.
Variant type: single nucleotide variant.
Coding change: c.3G>A on transcript NM_024685.4 (MANE Select); coding-DNA position 3, G replaced by A.
Protein change: p.Met1Ile; changes the start codon (methionine 1).
Molecular consequence: missense variant, initiator codon variant.
Genome position (GRCh38, 1-based): chr12:76,348,356, C>T on the plus strand (G>A on the coding strand, the complement: BBS10 is on the minus strand). VCF-style: chr12-76348356-C-T. GRCh37 (hg19) VCF-style: chr12-76742136-C-T.
Other names: short protein forms M1I.
Identifiers: ClinVar variation 4816164 (VCV004816164.1).